The following is an entry in ClinVar:

NM_006231.4(POLE):c.1330A>G (p.Met444Val)

Gene: POLE (DNA polymerase epsilon, catalytic subunit; minus strand). Cytogenetic location: 12q24.33.
Variant type: single nucleotide variant.
Coding change: c.1330A>G on transcript NM_006231.4 (MANE Select); coding-DNA position 1330, A replaced by G.
Protein change: p.Met444Val; replaces methionine 444 with valine.
Molecular consequence: missense variant.
Genome position (GRCh38, 1-based): chr12:132,673,604, T>C on the plus strand (A>G on the coding strand, the complement: POLE is on the minus strand). VCF-style: chr12-132673604-T-C. GRCh37 (hg19) VCF-style: chr12-133250190-T-C.
Other names: short protein forms M444V.
Identifiers: ClinVar variation 577603 (VCV000577603.13), dbSNP rs546871889, ClinGen allele CA6894004.

ClinVar aggregate classification (germline): Uncertain significance. Review status: criteria provided, multiple submitters, no conflicts (2 of 4 stars). 2 submissions from 2 submitters: Uncertain significance (2). Last evaluated 2024-12-23.

Conditions:
Hereditary cancer-predisposing syndrome. Also called: Tumor predisposition; Hereditary neoplastic syndrome; Hereditary Cancer Syndrome; Neoplastic Syndromes, Hereditary. Identifiers: Orphanet 140162, MedGen C0027672, MeSH D009386, MONDO:0015356.

Allele frequency attached by ClinVar (database versions not stated): gnomAD exomes below 0.00001 and 0.00001; ExAC 0.00001; gnomAD 0.00001; 1000 Genomes Project 30x 0.00016; 1000 Genomes Project 0.00020.
gnomAD v4.1: 2 of 1,613,514 alleles (0.00012%); highest among the groups gnomAD compares: South Asian, 0.0022%; no homozygotes.

Submissions (2):

Ambry Genetics
Classification: Uncertain significance for Hereditary cancer-predisposing syndrome. Last evaluated: 2024-12-23. Review status: criteria provided, single submitter. Criteria: Ambry Variant Classification Scheme 2023. Collection method: clinical testing. Allele origin: germline.
Comment: The p.M444V variant (also known as c.1330A>G), located in coding exon 13 of the POLE gene, results from an A to G substitution at nucleotide position 1330. The methionine at codon 444 is replaced by valine, an amino acid with highly similar properties. This amino acid position is highly conserved in available vertebrate species. In addition, the in silico prediction for this alteration is inconclusive. Based on the available evidence, the clinical significance of this variant remains unclear.

Labcorp Genetics (formerly Invitae), Labcorp
Classification: Uncertain significance. Last evaluated: 2023-01-26. Review status: criteria provided, single submitter. Criteria: Invitae Variant Classification Sherloc (09022015). Collection method: clinical testing. Allele origin: germline.
Comment: In summary, the available evidence is currently insufficient to determine the role of this variant in disease. Therefore, it has been classified as a Variant of Uncertain Significance. Advanced modeling of protein sequence and biophysical properties (such as structural, functional, and spatial information, amino acid conservation, physicochemical variation, residue mobility, and thermodynamic stability) performed at Invitae indicates that this missense variant is expected to disrupt POLE protein function. ClinVar contains an entry for this variant (Variation ID: 577603). This variant has not been reported in the literature in individuals affected with POLE-related conditions. This variant is present in population databases (rs546871889, gnomAD 0.003%). This sequence change replaces methionine, which is neutral and non-polar, with valine, which is neutral and non-polar, at codon 444 of the POLE protein (p.Met444Val).